The following is an entry in ClinVar:

ClinVar aggregate classification (germline): Pathogenic. Review status: criteria provided, multiple submitters, no conflicts (2 of 4 stars). 2 submissions from 2 submitters: Pathogenic (2). Last evaluated 2025-03-03.

Conditions:
Hereditary nonpolyposis colorectal neoplasms. Identifiers: MedGen C0009405, MeSH D003123.
Hereditary cancer-predisposing syndrome. Also called: Neoplastic Syndromes, Hereditary; Tumor predisposition; Hereditary Cancer Syndrome; Hereditary neoplastic syndrome. Identifiers: Orphanet 140162, MedGen C0027672, MeSH D009386, MONDO:0015356.

Submissions (2):

Labcorp Genetics (formerly Invitae), Labcorp
Classification: Pathogenic for Hereditary nonpolyposis colorectal neoplasms. Last evaluated: 2025-03-03. Review status: criteria provided, single submitter. Criteria: Invitae Variant Classification Sherloc (09022015). Collection method: clinical testing. Allele origin: germline.
Comment: This sequence change creates a premature translational stop signal (p.Glu277Lysfs*2) in the MSH6 gene. It is expected to result in an absent or disrupted protein product. Loss-of-function variants in MSH6 are known to be pathogenic (PMID: 18269114, 24362816). This variant is not present in population databases (gnomAD no frequency). This variant has not been reported in the literature in individuals affected with MSH6-related conditions. ClinVar contains an entry for this variant (Variation ID: 1762796). For these reasons, this variant has been classified as Pathogenic.

Ambry Genetics
Classification: Pathogenic for Hereditary cancer-predisposing syndrome. Last evaluated: 2021-09-03. Review status: criteria provided, single submitter. Criteria: Ambry Variant Classification Scheme 2023. Collection method: clinical testing. Allele origin: germline.
Comment: The c.829delG pathogenic mutation, located in coding exon 4 of the MSH6 gene, results from a deletion of one nucleotide at nucleotide position 829, causing a translational frameshift with a predicted alternate stop codon (p.E277Kfs*2). This variant is considered to be rare based on population cohorts in the Genome Aggregation Database (gnomAD). This alteration is expected to result in loss of function by premature protein truncation or nonsense-mediated mRNA decay. As such, this alteration is interpreted as a disease-causing mutation.

Literature cited by the submitters: PubMed 18269114 (cited by Labcorp Genetics (formerly Invitae), Labcorp); PubMed 24362816 (cited by Labcorp Genetics (formerly Invitae), Labcorp).

NM_000179.3(MSH6):c.829del (p.Glu277fs)

Gene: MSH6 (mutS homolog 6; plus strand). Cytogenetic location: 2p16.3.
Variant type: Deletion.
Coding change: c.829del on transcript NM_000179.3 (MANE Select); coding-DNA position 829, one base deleted (G; older notation c.829delG).
Protein change: p.Glu277fs; shifts the reading frame from glutamic acid 277.
Molecular consequence: frameshift variant. On other transcripts: 5 prime UTR variant (2).
Genome position (GRCh38, 1-based): chr2:47,798,812, G deleted. VCF-style (leftmost placement, unchanged base first): chr2-47798811-TG-T. GRCh37 (hg19) VCF-style: chr2-48025950-TG-T.
Other names: c.439del, p.Glu147fs (NM_001281492.2); c.-78del (NM_001281493.2, NM_001281494.2); c.925delG, p.Glu309Lysfs (NM_001406795.1, NM_001406802.1); c.829delG, p.Glu277Lysfs (NM_001406796.1, NM_001406798.1, NM_001406800.1 and 4 more transcripts); c.532delG, p.Glu178Lysfs (NM_001406797.1, NM_001406801.1, NM_001406805.1 and 10 more transcripts); c.304delG, p.Glu102Lysfs (NM_001406799.1, NM_001406806.1, NM_001406807.1); c.751delG, p.Glu251Lysfs (NM_001406804.1); c.-78delG (NM_001406811.1, NM_001406812.1, NM_001406814.1 and 4 more transcripts); and 2 more; short protein forms E147fs, E277fs.
Identifiers: ClinVar variation 1762796 (VCV001762796.7), dbSNP rs2530573411, ClinGen allele CA2580067249.